The following is an entry in ClinVar:

ClinVar aggregate classification (germline): Uncertain significance (1 of 4 stars; one submission).

Conditions:
Cardiovascular phenotype. Identifiers: MedGen CN230736.

Allele frequency attached by ClinVar (database versions not stated): gnomAD exomes 0.00001; TOPMed below 0.00001; gnomAD 0.00001.
gnomAD v4.1: 10 of 1,612,050 alleles (0.00062%); highest among the groups gnomAD compares: Non-Finnish European, 0.00085%; no homozygotes.

Submission:

Ambry Genetics
Classification: Uncertain significance for Cardiovascular phenotype. Last evaluated: 2026-07-24. Review status: criteria provided, single submitter. Criteria: Ambry Variant Classification Scheme 2023. Collection method: clinical testing. Allele origin: germline.
Comment: The c.990+3G>A intronic variant results from a G to A substitution 3 nucleotides after coding exon 10 in the ANK2 gene. This nucleotide position is well conserved in available vertebrate species. In silico splice site analysis predicts that this alteration will not have any significant effect on splicing. Based on the available evidence, the clinical significance of this variant remains unclear.

NM_001148.6(ANK2):c.990+3G>A

Gene: ANK2 (ankyrin 2; plus strand). Cytogenetic location: 4q26.
Variant type: single nucleotide variant.
Coding change: c.990+3G>A on transcript NM_001148.6 (MANE Select); 3 bases into the intron after coding-DNA position 990, G replaced by A.
Molecular consequence: intron variant.
Genome position (GRCh38, 1-based): chr4:113,249,865, G>A. VCF-style: chr4-113249865-G-A. GRCh37 (hg19) VCF-style: chr4-114171021-G-A.
Other names: c.978+3G>A (NM_001386186.2, NM_001386148.2, NM_001354269.3); c.954+3G>A (NM_001386187.2); c.948+3G>A (NM_001386147.1, NM_001386160.1, NM_001354261.2); c.927+3G>A (NM_001354254.2, NM_001354239.2, NM_001354252.2 and 14 more transcripts); c.903+3G>A (NM_001354249.2, NM_001354266.2, NM_001354276.2 and 16 more transcripts); c.1035+3G>A (NM_001354241.2, NM_001386152.1, NM_001354237.2 and 5 more transcripts); c.990+3G>A (NM_001354225.2, NM_001354235.2, NM_001354246.2 and 9 more transcripts); c.1041+3G>A (NM_001386174.1); and 1 more.
Identifiers: ClinVar variation 1768557 (VCV001768557.3), dbSNP rs1027181301, ClinGen allele CA103801820.
Genomic context (GRCh38, chr4:113,249,865, plus strand): 5'-TGACCAAGTGGTGGAACTTCTGTTGGAACGGGGTGCCCCCTTGCTGGCAAGGACTAAGGT[G>A]AGTCATTATGAGTAAGATGGGGTCCTAAGAAATCTTTAAGTTACTTGATGTATTATCTCT-3'